The following is an entry in ClinVar:

ClinVar aggregate classification (germline): Uncertain significance (1 of 4 stars; one submission).

Submission:

Labcorp Genetics (formerly Invitae), Labcorp
Classification: Uncertain significance. Last evaluated: 2022-09-05. Review status: criteria provided, single submitter. Criteria: Invitae Variant Classification Sherloc (09022015). Collection method: clinical testing. Allele origin: germline.
Comment: In summary, the available evidence is currently insufficient to determine the role of this variant in disease. Therefore, it has been classified as a Variant of Uncertain Significance. Variants that disrupt the consensus splice site are a relatively common cause of aberrant splicing (PMID: 17576681, 9536098). Algorithms developed to predict the effect of sequence changes on RNA splicing suggest that this variant may disrupt the consensus splice site. This variant has not been reported in the literature in individuals affected with MYO18B-related conditions. This variant is not present in population databases (gnomAD no frequency). This sequence change falls in intron 4 of the MYO18B gene. It does not directly change the encoded amino acid sequence of the MYO18B protein. It affects a nucleotide within the consensus splice site.

Literature cited by the submitters: PubMed 17576681; PubMed 9536098.

NM_032608.7(MYO18B):c.1512+4A>T

Gene: MYO18B (myosin XVIIIB; plus strand). Cytogenetic location: 22q12.1.
Variant type: single nucleotide variant.
Coding change: c.1512+4A>T on transcript NM_032608.7 (MANE Select); 4 bases into the intron after coding-DNA position 1512, A replaced by T.
Molecular consequence: intron variant.
Genome position (GRCh38, 1-based): chr22:25,769,432, A>T. VCF-style: chr22-25769432-A-T. GRCh37 (hg19) VCF-style: chr22-26165399-A-T.
Other names: c.1512+4A>T (NM_001318245.2).
Identifiers: ClinVar variation 1938794 (VCV001938794.5), dbSNP rs2517665244, ClinGen allele CA2580099351.